The following is an entry in ClinVar:

NM_001042492.3(NF1):c.2490C>A (p.Asp830Glu)

Gene: NF1 (neurofibromin 1; plus strand). Cytogenetic location: 17q11.2.
Variant type: single nucleotide variant.
Coding change: c.2490C>A on transcript NM_001042492.3 (MANE Select); coding-DNA position 2490, C replaced by A.
Protein change: p.Asp830Glu; replaces aspartic acid 830 with glutamic acid.
Molecular consequence: missense variant.
Genome position (GRCh38, 1-based): chr17:31,229,105, C>A. VCF-style: chr17-31229105-C-A. GRCh37 (hg19) VCF-style: chr17-29556123-C-A.
Other names: c.2490C>A, p.Asp830Glu (NM_000267.4); short protein forms D830E.
Identifiers: ClinVar variation 3693777 (VCV003693777.2).

ClinVar aggregate classification (germline): Uncertain significance (1 of 4 stars; one submission).

Conditions:
Neurofibromatosis, type 1 (NF1). Also called: Peripheral type neurofibromatosis; Neurofibromatosis, type I; VON RECKLINGHAUSEN DISEASE; NEUROFIBROMATOSIS, TYPE I, SOMATIC. Identifiers: Orphanet 636, MedGen C0027831, MONDO:0018975, OMIM 162200. Disease mechanism: loss of function.

Submission:

Labcorp Genetics (formerly Invitae), Labcorp
Classification: Uncertain significance for Neurofibromatosis, type 1. Last evaluated: 2025-10-03. Review status: criteria provided, single submitter. Criteria: Invitae Variant Classification Sherloc (09022015). Collection method: clinical testing. Allele origin: germline.
Comment: This sequence change replaces aspartic acid, which is acidic and polar, with glutamic acid, which is acidic and polar, at codon 830 of the NF1 protein (p.Asp830Glu). This variant is not present in population databases (gnomAD no frequency). This variant has not been reported in the literature in individuals affected with NF1-related conditions. ClinVar contains an entry for this variant (Variation ID: 3693777). Invitae Evidence Modeling of protein sequence and biophysical properties (such as structural, functional, and spatial information, amino acid conservation, physicochemical variation, residue mobility, and thermodynamic stability) indicates that this missense variant is not expected to disrupt NF1 protein function with a negative predictive value of 95%. In summary, the available evidence is currently insufficient to determine the role of this variant in disease. Therefore, it has been classified as a Variant of Uncertain Significance.